The following is an entry in ClinVar:

NM_001378454.1(ALMS1):c.3386T>A (p.Leu1129Gln)

Gene: ALMS1 (ALMS1 centrosome and basal body associated protein; plus strand). Cytogenetic location: 2p13.1.
Variant type: single nucleotide variant.
Coding change: c.3386T>A on transcript NM_001378454.1 (MANE Select); coding-DNA position 3386, T replaced by A.
Protein change: p.Leu1129Gln; replaces leucine 1129 with glutamine.
Molecular consequence: missense variant.
Genome position (GRCh38, 1-based): chr2:73,449,913, T>A. VCF-style: chr2-73449913-T-A. GRCh37 (hg19) VCF-style: chr2-73677040-T-A.
Other names: c.3389T>A, p.Leu1130Gln (NM_015120.4); short protein forms L1129Q, L1130Q.
Identifiers: ClinVar variation 1379557 (VCV001379557.3), dbSNP rs2103778692, ClinGen allele CA347275466.

ClinVar aggregate classification (germline): Uncertain significance (1 of 4 stars; one submission).

Conditions:
Alstrom syndrome (ALMS). Identifiers: Orphanet 64, MedGen C0268425, MONDO:0008763, OMIM 203800.

gnomAD v4.1: 1 of 1,613,050 alleles (0.000062%); no homozygotes.

Submission:

Labcorp Genetics (formerly Invitae), Labcorp
Classification: Uncertain significance for Alstrom syndrome. Last evaluated: 2021-07-01. Review status: criteria provided, single submitter. Criteria: Invitae Variant Classification Sherloc (09022015). Collection method: clinical testing. Allele origin: germline.
Comment: This sequence change replaces leucine with glutamine at codon 1130 of the ALMS1 protein (p.Leu1130Gln). The leucine residue is weakly conserved and there is a moderate physicochemical difference between leucine and glutamine. This variant is not present in population databases (ExAC no frequency). This variant has not been reported in the literature in individuals affected with ALMS1-related conditions. Experimental studies and prediction algorithms are not available or were not evaluated, and the functional significance of this variant is currently unknown. In summary, the available evidence is currently insufficient to determine the role of this variant in disease. Therefore, it has been classified as a Variant of Uncertain Significance.